The following is an entry in ClinVar:

ClinVar aggregate classification (germline): Pathogenic. Review status: criteria provided, multiple submitters, no conflicts (2 of 4 stars). 3 submissions from 3 submitters: Pathogenic (3). Last evaluated 2024-10-24.

Conditions:
Hypophosphatemic rickets. Identifiers: MedGen C1704375, MeSH D063730, MONDO:0024300, HP:0004912.

Submissions (3):

Labcorp Genetics (formerly Invitae), Labcorp
Classification: Pathogenic. Last evaluated: 2024-10-24. Review status: criteria provided, single submitter. Criteria: Invitae Variant Classification Sherloc (09022015). Collection method: clinical testing. Allele origin: germline.
Comment: This sequence change creates a premature translational stop signal (p.His329Profs*20) in the PHEX gene. It is expected to result in an absent or disrupted protein product. Loss-of-function variants in PHEX are known to be pathogenic (PMID: 9097956, 9106524, 19219621). This variant is not present in population databases (gnomAD no frequency). This premature translational stop signal has been observed in individual(s) with X-linked hypophosphatemic rickets (PMID: 9097956, 35738466). ClinVar contains an entry for this variant (Variation ID: 420128). For these reasons, this variant has been classified as Pathogenic.

Laboratory of Cyto-molecular Genetics, Department of Anatomy, All India Institute of Medical Sciences (AIIMS), New Delhi
Classification: Pathogenic for Hypophosphatemic rickets. Last evaluated: 2022-02-07. Review status: criteria provided, single submitter. Criteria: ACMG Guidelines, 2015. Collection method: clinical testing. Allele origin: de novo. Affected: yes. Observed: 1 variant allele.
Comment: p.(His329Profs*20); frameshift and premature termination codon (PTC) formation

GeneDx
Classification: Pathogenic. Last evaluated: 2017-02-20. Review status: criteria provided, single submitter. Criteria: GeneDx Variant Classification (06012015). Collection method: clinical testing. Allele origin: germline. Affected: yes.
Comment: The c.985dupC pathogenic variant in the PHEX gene has been reported previously in association with X-linked hypophosphatemic rickets (Rowe et al., 1997). The duplication causes a frameshift starting with codon Histidine 329 changes this amino acid to a Proline residue and creates a premature Stop codon at position 20 of the new reading frame, denoted p.His329ProfsX20. This pathogenic variant is predicted to cause loss of normal protein function either through protein truncation or nonsense-mediated mRNA decay.

Literature cited by the submitters: PubMed 9097956 (cited by Labcorp Genetics (formerly Invitae), Labcorp); PubMed 9106524 (cited by Labcorp Genetics (formerly Invitae), Labcorp); PubMed 19219621 (cited by Labcorp Genetics (formerly Invitae), Labcorp); PubMed 35738466 (cited by Labcorp Genetics (formerly Invitae), Labcorp and Laboratory of Cyto-molecular Genetics, Department of Anatomy, All India Institute of Medical Sciences (AIIMS), New Delhi).

NM_000444.6(PHEX):c.985dup (p.His329fs)

Gene: PHEX (phosphate regulating endopeptidase X-linked; plus strand). Cytogenetic location: Xp22.11.
Variant type: Duplication.
Coding change: c.985dup on transcript NM_000444.6 (MANE Select); coding-DNA position 985, one base duplicated (C; older notation c.985dupC).
Protein change: p.His329fs; shifts the reading frame from histidine 329.
Molecular consequence: frameshift variant.
Genome position (GRCh38, 1-based): chrX:22,099,057, C duplicated; the last of 5 consecutive C bases (chrX:22,099,053-22,099,057); duplicating any one gives the same sequence. VCF-style (leftmost placement, unchanged base first): chrX-22099052-A-AC. GRCh37 (hg19) VCF-style: chrX-22117170-A-AC.
Other names: c.985dup, p.His329fs (NM_001282754.2); short protein forms H329fs.
Identifiers: ClinVar variation 420128 (VCV000420128.17), dbSNP rs1556025994, ClinGen allele CA16621318.
Genomic context (GRCh38, chrX:22,099,052, plus strand): 5'-CTCTCTCCCCTCAGTTCGACTGGCTGGGCTACATCAAGAAGGTCATTGACACCAGACTCT[A>AC]CCCCCATCTGAAAGACATCAGCCCCTCCGAGAATGTGGTGGTCCGCGTCCCGCAGTACTT-3'